The following is an entry in ClinVar:

NM_130384.3(ATRIP):c.1235A>G (p.Gln412Arg)

Genes: ATRIP (ATR interacting protein; plus strand), ATRIP-TREX1 (ATRIP-TREX1 readthrough; plus strand). Cytogenetic location: 3p21.31.
Variant type: single nucleotide variant.
Coding change: c.1235A>G on transcript NM_130384.3 (MANE Select); coding-DNA position 1235, A replaced by G.
Protein change: p.Gln412Arg; replaces glutamine 412 with arginine.
Molecular consequence: missense variant. On other transcripts: non-coding transcript variant (1).
Genome position (GRCh38, 1-based): chr3:48,460,289, A>G. VCF-style: chr3-48460289-A-G. GRCh37 (hg19) VCF-style: chr3-48501688-A-G.
Other names: c.854A>G, p.Gln285Arg (NM_001271022.2); c.956A>G, p.Gln319Arg (NM_001271023.2); c.1235A>G, p.Gln412Arg (NM_032166.4); short protein forms Q285R, Q319R, Q412R.
Identifiers: ClinVar variation 4644568 (VCV004644568.1).

ClinVar aggregate classification (germline): Uncertain significance (1 of 4 stars; one submission).

Submission:

Ambry Genetics
Classification: Uncertain significance. Last evaluated: 2025-11-01. Review status: criteria provided, single submitter. Criteria: Ambry Variant Classification Scheme 2023. Collection method: clinical testing. Allele origin: germline.
Comment: The p.Q412R variant (also known as c.1235A>G), located in coding exon 8 of the ATRIP gene, results from an A to G substitution at nucleotide position 1235. The glutamine at codon 412 is replaced by arginine, an amino acid with highly similar properties. This amino acid position is conserved. In addition, this alteration is predicted to be tolerated by in silico analysis. Based on the available evidence, the clinical significance of this variant remains unclear.